The following is an entry in ClinVar:

ClinVar aggregate classification (germline): Uncertain significance. Review status: criteria provided, multiple submitters, no conflicts (2 of 4 stars). 3 submissions from 3 submitters: Uncertain significance (3). Last evaluated 2025-11-25.

Submissions (3):

Labcorp Genetics (formerly Invitae), Labcorp
Classification: Uncertain significance. Last evaluated: 2025-11-25. Review status: criteria provided, single submitter. Criteria: Invitae Variant Classification Sherloc (09022015). Collection method: clinical testing. Allele origin: germline.
Comment: This variant, c.3204_3209dup, results in the insertion of 2 amino acid(s) of the GRM1 protein (p.Pro1071_Pro1072dup), but otherwise preserves the integrity of the reading frame. This variant is present in population databases (rs767975371, gnomAD 0.06%). This variant has not been reported in the literature in individuals affected with GRM1-related conditions. Experimental studies and prediction algorithms are not available or were not evaluated, and the functional significance of this variant is currently unknown. In summary, the available evidence is currently insufficient to determine the role of this variant in disease. Therefore, it has been classified as a Variant of Uncertain Significance.

Mayo Clinic Laboratories, Mayo Clinic
Classification: Uncertain significance. Last evaluated: 2024-08-23. Review status: criteria provided, single submitter. Criteria: ACMG Guidelines, 2015. Collection method: clinical testing. Allele origin: germline. Observed: 1 variant allele.

Women's Health and Genetics/Laboratory Corporation of America, LabCorp
Classification: Uncertain significance. Last evaluated: 2024-05-14. Review status: criteria provided, single submitter. Criteria: LabCorp Variant Classification Summary - May 2015. Collection method: clinical testing. Allele origin: germline.
Comment: Variant summary: GRM1 c.3204_3209dupCCCGCC (p.Pro1071_Pro1072dup) results in an in-frame duplication that is predicted to duplicate two amino acids into the encoded protein. The variant allele was found at a frequency of 0.00026 in 242862 control chromosomes. To our knowledge, no occurrence of c.3204_3209dupCCCGCC in individuals affected with Autosomal Recessive Spinocerebellar Ataxia 13 and no experimental evidence demonstrating its impact on protein function have been reported. ClinVar contains an entry for this variant (Variation ID: 2059531). Based on the evidence outlined above, the variant was classified as uncertain significance.

NM_001278064.2(GRM1):c.3198CCCGCC[3] (p.Pro1072_Gln1073insProPro)

Gene: GRM1 (glutamate metabotropic receptor 1; plus strand). Cytogenetic location: 6q24.3.
Variant type: Microsatellite.
Coding change: c.3198CCCGCC[3] on transcript NM_001278064.2 (MANE Select); three copies in a row of the 6-base unit CCCGCC starting at c.3198; the reference has two copies in a row; one copy, 6 bases duplicated; also written c.3204_3209dup.
Protein change: p.Pro1072_Gln1073insProPro.
Molecular consequence: inframe insertion. On other transcripts: 3 prime UTR variant (3).
Genome position (GRCh38, 1-based): chr6:146,434,415-146,434,420, CCCGCC duplicated; duplicating any 6 consecutive bases within chr6:146,434,409-146,434,420 gives the same sequence; the position shown is the placement nearest the transcript's 3' end. VCF-style (leftmost placement, unchanged base first): chr6-146434408-A-ACCCGCC. GRCh37 (hg19) VCF-style: chr6-146755544-A-ACCCGCC.
Other names: p.Pro1071_Pro1072dup; c.*562CCCGCC[3] (NM_001278065.2); c.*527CCCGCC[3] (NM_001278066.1); c.*436CCCGCC[3] (NM_001278067.1); c.3204_3209dupCCCGCC (NM_001278064.2); c.3204_3209dup (NM_001278064.2).
Identifiers: ClinVar variation 2059531 (VCV002059531.6), dbSNP rs767975371, ClinGen allele CA4037642.